The following is an entry in ClinVar:

ClinVar aggregate classification (germline): Uncertain significance (1 of 4 stars; one submission).

Conditions:
EGFR-related lung cancer (EGFR). Identifiers: MedGen CN130014.

Submission:

Labcorp Genetics (formerly Invitae), Labcorp
Classification: Uncertain significance for EGFR-related lung cancer. Last evaluated: 2024-05-21. Review status: criteria provided, single submitter. Criteria: Invitae Variant Classification Sherloc (09022015). Collection method: clinical testing. Allele origin: germline.
Comment: This sequence change replaces glycine, which is neutral and non-polar, with valine, which is neutral and non-polar, at codon 729 of the EGFR protein (p.Gly729Val). This variant is not present in population databases (gnomAD no frequency). This variant has not been reported in the literature in individuals affected with EGFR-related conditions. An algorithm developed to predict the effect of missense changes on protein structure and function (PolyPhen-2) suggests that this variant is likely to be disruptive. In summary, the available evidence is currently insufficient to determine the role of this variant in disease. Therefore, it has been classified as a Variant of Uncertain Significance.

NM_005228.5(EGFR):c.2186G>T (p.Gly729Val)

Gene: EGFR (epidermal growth factor receptor; plus strand). Cytogenetic location: 7p11.2.
Variant type: single nucleotide variant.
Coding change: c.2186G>T on transcript NM_005228.5 (MANE Select); coding-DNA position 2186, G replaced by T.
Protein change: p.Gly729Val; replaces glycine 729 with valine.
Molecular consequence: missense variant.
Genome position (GRCh38, 1-based): chr7:55,174,723, G>T. VCF-style: chr7-55174723-G-T. GRCh37 (hg19) VCF-style: chr7-55242416-G-T.
Other names: c.2051G>T, p.Gly684Val (NM_001346897.2, NM_001346899.2); c.2186G>T, p.Gly729Val (NM_001346898.2); c.2027G>T, p.Gly676Val (NM_001346900.2); c.1385G>T, p.Gly462Val (NM_001346941.2); short protein forms G676V, G684V, G462V, G729V.
Identifiers: ClinVar variation 3682698 (VCV003682698.2).